The following is an entry in ClinVar:

ClinVar aggregate classification (germline): Uncertain significance (1 of 4 stars; one submission).

Conditions:
Ehlers-Danlos syndrome, classic type, 1 (EDSCL1). Also called: EHLERS-DANLOS SYNDROME, GRAVIS TYPE; EHLERS-DANLOS SYNDROME, SEVERE CLASSIC TYPE; Ehlers-Danlos syndrome, type 1; Ehlers-Danlos Syndrome, Classic Type, COL5A1-Related; EDS I. Identifiers: MedGen C0268335, MONDO:0019567, OMIM 130000.

Submission:

Labcorp Genetics (formerly Invitae), Labcorp
Classification: Uncertain significance for Ehlers-Danlos syndrome, classic type, 1. Last evaluated: 2023-06-10. Review status: criteria provided, single submitter. Criteria: Invitae Variant Classification Sherloc (09022015). Collection method: clinical testing. Allele origin: germline.
Comment: In summary, the available evidence is currently insufficient to determine the role of this variant in disease. Therefore, it has been classified as a Variant of Uncertain Significance. Algorithms developed to predict the effect of sequence changes on RNA splicing suggest that this variant may create or strengthen a splice site. Advanced modeling of protein sequence and biophysical properties (such as structural, functional, and spatial information, amino acid conservation, physicochemical variation, residue mobility, and thermodynamic stability) performed at Invitae indicates that this missense variant is not expected to disrupt COL5A2 protein function. This variant has not been reported in the literature in individuals affected with COL5A2-related conditions. This variant is not present in population databases (gnomAD no frequency). This sequence change replaces proline, which is neutral and non-polar, with glutamine, which is neutral and polar, at codon 904 of the COL5A2 protein (p.Pro904Gln).

NM_000393.5(COL5A2):c.2711C>A (p.Pro904Gln)

Gene: COL5A2 (collagen type V alpha 2 chain; minus strand). Cytogenetic location: 2q32.2.
Variant type: single nucleotide variant.
Coding change: c.2711C>A on transcript NM_000393.5 (MANE Select); coding-DNA position 2711, C replaced by A.
Protein change: p.Pro904Gln; replaces proline 904 with glutamine.
Molecular consequence: missense variant.
Genome position (GRCh38, 1-based): chr2:189,052,753, G>T on the plus strand (C>A on the coding strand, the complement: COL5A2 is on the minus strand). VCF-style: chr2-189052753-G-T. GRCh37 (hg19) VCF-style: chr2-189917479-G-T.
Other names: short protein forms P904Q.
Identifiers: ClinVar variation 2840610 (VCV002840610.3), dbSNP rs189320512, ClinGen allele CA349870531.